The following is an entry in ClinVar:

NM_001348800.3(ZBTB20):c.619T>A (p.Ser207Thr)

Gene: ZBTB20 (zinc finger and BTB domain containing 20; minus strand). Cytogenetic location: 3q13.31.
Variant type: single nucleotide variant.
Coding change: c.619T>A on transcript NM_001348800.3 (MANE Select); coding-DNA position 619, T replaced by A.
Protein change: p.Ser207Thr; replaces serine 207 with threonine.
Molecular consequence: missense variant.
Genome position (GRCh38, 1-based): chr3:114,351,459, A>T on the plus strand (T>A on the coding strand, the complement: ZBTB20 is on the minus strand). VCF-style: chr3-114351459-A-T. GRCh37 (hg19) VCF-style: chr3-114070306-A-T.
Other names: c.619T>A, p.Ser207Thr (NM_001164342.2, NM_001348803.3, NM_001393393.1 and 1 more transcripts); c.400T>A, p.Ser134Thr (NM_001164343.2, NM_001164344.4, NM_001164345.4 and 9 more transcripts); short protein forms S134T, S207T.
Identifiers: ClinVar variation 2766517 (VCV002766517.3), dbSNP rs2550505065, ClinGen allele CA354016294.
Genomic context (GRCh38, chr3:114,351,459, plus strand): 5'-TGTCGCTGCTCTGGCCTGACGTGCCTGACTCGGGAGTGCCCCGCGGCGTGTCCTGGCCCG[A>T]GTCCTGGATCCCCGGGAACACATCGCCCACGTTCTGTGACACGATGCGCGTGCACTCGTC-3'
Protein context (NP_001335729.1, residues 197-217): VGDVFPGIQD[Ser207Thr]GQDTPRGTPE

ClinVar aggregate classification (germline): Uncertain significance (1 of 4 stars; one submission).

Submission:

Labcorp Genetics (formerly Invitae), Labcorp
Classification: Uncertain significance. Last evaluated: 2025-08-22. Review status: criteria provided, single submitter. Criteria: Invitae Variant Classification Sherloc (09022015). Collection method: clinical testing. Allele origin: germline.
Comment: This sequence change replaces serine, which is neutral and polar, with threonine, which is neutral and polar, at codon 207 of the ZBTB20 protein (p.Ser207Thr). This variant is not present in population databases (gnomAD no frequency). This variant has not been reported in the literature in individuals affected with ZBTB20-related conditions. ClinVar contains an entry for this variant (Variation ID: 2766517). Invitae Evidence Modeling of protein sequence and biophysical properties (such as structural, functional, and spatial information, amino acid conservation, physicochemical variation, residue mobility, and thermodynamic stability) indicates that this missense variant is not expected to disrupt ZBTB20 protein function with a negative predictive value of 95%. In summary, the available evidence is currently insufficient to determine the role of this variant in disease. Therefore, it has been classified as a Variant of Uncertain Significance.